The following is an entry in ClinVar:

ClinVar aggregate classification (germline): Conflicting classifications of pathogenicity. Review status: criteria provided, conflicting classifications (1 of 4 stars). 2 submissions from 2 submitters: Uncertain significance (1); Benign (1). Last evaluated 2025-04-30.

Conditions:
Primary ciliary dyskinesia. Also called: Ciliary dyskinesia. Identifiers: Orphanet 244, MedGen C0008780, MONDO:0016575, HP:0012265.

Allele frequency attached by ClinVar (database versions not stated): gnomAD 0.00002; ExAC 0.00006.
gnomAD v4.1: 68 of 1,607,298 alleles (0.0042%); highest among the groups gnomAD compares: Non-Finnish European, 0.0052%; no homozygotes.

Submissions (2):

Labcorp Genetics (formerly Invitae), Labcorp
Classification: Benign for Primary ciliary dyskinesia. Last evaluated: 2025-04-30. Review status: criteria provided, single submitter. Criteria: Invitae Variant Classification Sherloc (09022015). Collection method: clinical testing. Allele origin: germline.

GeneDx
Classification: Uncertain significance. Last evaluated: 2024-12-31. Review status: criteria provided, single submitter. Criteria: GeneDx Variant Classification Process June 2021. Collection method: clinical testing. Allele origin: germline. Affected: yes.
Comment: In silico analysis supports that this missense variant has a deleterious effect on protein structure/function; Has not been previously published as pathogenic or benign to our knowledge

NM_001277115.2(DNAH11):c.6652C>T (p.His2218Tyr)

Gene: DNAH11 (dynein axonemal heavy chain 11; plus strand). Cytogenetic location: 7p15.3.
Variant type: single nucleotide variant.
Coding change: c.6652C>T on transcript NM_001277115.2 (MANE Select); coding-DNA position 6652, C replaced by T.
Protein change: p.His2218Tyr; replaces histidine 2218 with tyrosine.
Molecular consequence: missense variant.
Genome position (GRCh38, 1-based): chr7:21,707,804, C>T. VCF-style: chr7-21707804-C-T. GRCh37 (hg19) VCF-style: chr7-21747422-C-T.
Other names: c.6673C>T, p.His2225Tyr (NM_003777.3); c.6652C>T (NM_001277115.1); short protein forms H2225Y, H2218Y.
Identifiers: ClinVar variation 2908474 (VCV002908474.4), dbSNP rs757932794, ClinGen allele CA4180917.
Genomic context (GRCh38, chr7:21,707,804, plus strand): 5'-CCGGTTTGGAATGACTTAAACCCTAAAGCTGTGACAACAGATGAACTCTTTGGTTTCATA[C>T]ATCATGCTACCCGAGAATGGAAAGATGGCAAGTAGTATTTCCCCTTTAGAAGTGCTCAAT-3'
Protein context (NP_001264044.1, residues 2208-2228): VTTDELFGFI[His2218Tyr]HATREWKDGK